The following is an entry in ClinVar:

ClinVar aggregate classification (germline): Uncertain significance (1 of 4 stars; one submission).

Conditions:
Adenylosuccinate lyase deficiency (ADSLD). Also called: ADSL DEFICIENCY. Identifiers: Orphanet 46, MedGen C0268126, MONDO:0007068, OMIM 103050.

Submission:

Labcorp Genetics (formerly Invitae), Labcorp
Classification: Uncertain significance for Adenylosuccinate lyase deficiency. Last evaluated: 2023-05-16. Review status: criteria provided, single submitter. Criteria: Invitae Variant Classification Sherloc (09022015). Collection method: clinical testing. Allele origin: germline.
Comment: In summary, the available evidence is currently insufficient to determine the role of this variant in disease. Therefore, it has been classified as a Variant of Uncertain Significance. Experimental studies and prediction algorithms are not available or were not evaluated, and the functional significance of this variant is currently unknown. This variant has not been reported in the literature in individuals affected with ADSL-related conditions. This variant is not present in population databases (gnomAD no frequency). This variant occurs in a non-coding region of the ADSL gene. It does not change the encoded amino acid sequence of the ADSL protein.

NC_000022.11:g.40345998C>A

Gene: ADSL (adenylosuccinate lyase; plus strand). Cytogenetic location: 22q13.1.
Variant type: single nucleotide variant.
Genome position: GRCh38 VCF-style: chr22-40345998-C-A. GRCh37 (hg19) VCF-style: chr22-40742002-C-A.
Identifiers: ClinVar variation 2865007 (VCV002865007.3), dbSNP rs2518075196, ClinGen allele CA2739267983.